The following is an entry in ClinVar:

ClinVar aggregate classification (germline): Likely pathogenic (1 of 4 stars; one submission).

Conditions:
CHD7-related disorder. Also called: CHD7-related condition.

Submission:

PreventionGenetics, part of Exact Sciences
Classification: Likely pathogenic for CHD7-related condition. Last evaluated: 2025-08-14. Review status: criteria provided, single submitter. Criteria: ACMG Guidelines, 2015. Collection method: clinical testing. Allele origin: germline.
Comment: The CHD7 c.1395delC variant is predicted to result in a frameshift and premature protein termination (p.Ser466Argfs*6). To our knowledge, this variant has not been reported in the literature or in a large population database (gnomAD), indicating this variant is rare. Frameshift variants in CHD7 are expected to be pathogenic. This variant is interpreted as likely pathogenic.

NM_017780.4(CHD7):c.1395del (p.Ser466fs)

Gene: CHD7 (chromodomain helicase DNA binding protein 7; plus strand). Cytogenetic location: 8q12.2.
Variant type: Deletion.
Coding change: c.1395del on transcript NM_017780.4 (MANE Select); coding-DNA position 1395, one base deleted (C; older notation c.1395delC).
Protein change: p.Ser466fs; shifts the reading frame from serine 466.
Molecular consequence: frameshift variant.
Genome position (GRCh38, 1-based): chr8:60,742,827, C deleted; the last of 2 consecutive C bases (chr8:60,742,826-60,742,827); deleting either gives the same sequence. VCF-style (leftmost placement, unchanged base first): chr8-60742825-TC-T. GRCh37 (hg19) VCF-style: chr8-61655384-TC-T.
Other names: c.1395del, p.Ser466fs (NM_001316690.1); short protein forms S466fs.
Identifiers: ClinVar variation 4997070 (VCV004997070.1).